The following is an entry in ClinVar:

NM_031229.4(RBCK1):c.855C>G (p.Cys285Trp)

Gene: RBCK1 (RANBP2-type and C3HC4-type zinc finger containing 1; plus strand). Cytogenetic location: 20p13.
Variant type: single nucleotide variant.
Coding change: c.855C>G on transcript NM_031229.4 (MANE Select); coding-DNA position 855, C replaced by G.
Protein change: p.Cys285Trp; replaces cysteine 285 with tryptophan.
Molecular consequence: missense variant. On other transcripts: non-coding transcript variant (1), intron variant (2).
Genome position (GRCh38, 1-based): chr20:420,969, C>G. VCF-style: chr20-420969-C-G. GRCh37 (hg19) VCF-style: chr20-401613-C-G.
Other names: p.Cys285Trp; c.906C>G, p.Cys302Trp (NM_001410770.1); c.729C>G, p.Cys243Trp (NM_006462.6); c.408-1158C>G (NM_001323956.2, NM_001323958.2); short protein forms C243W, C302W, C285W.
Identifiers: ClinVar variation 4542369 (VCV004542369.1).

ClinVar aggregate classification (germline): Uncertain significance (1 of 4 stars; one submission).

Submission:

Mayo Clinic Laboratories, Mayo Clinic
Classification: Uncertain significance. Last evaluated: 2025-05-05. Review status: criteria provided, single submitter. Criteria: ACMG Guidelines, 2015. Collection method: clinical testing. Allele origin: germline. Observed: 1 variant allele.
Comment: PP3_moderate